The following is an entry in ClinVar:

NM_017514.5(PLXNA3):c.2278G>A (p.Glu760Lys)

Gene: PLXNA3 (plexin A3; plus strand). Cytogenetic location: Xq28.
Variant type: single nucleotide variant.
Coding change: c.2278G>A on transcript NM_017514.5 (MANE Select); coding-DNA position 2278, G replaced by A.
Protein change: p.Glu760Lys; replaces glutamic acid 760 with lysine.
Molecular consequence: missense variant.
Genome position (GRCh38, 1-based): chrX:154,465,457, G>A. VCF-style: chrX-154465457-G-A. GRCh37 (hg19) VCF-style: chrX-153693800-G-A.
Other names: short protein forms E760K.
Identifiers: ClinVar variation 3357267 (VCV003357267.1).

ClinVar aggregate classification (germline): Uncertain significance (0 of 4 stars; one submission).

Conditions:
PLXNA3-related disorder. Also called: PLXNA3-related condition.

gnomAD v4.1: 34 of 1,206,540 alleles (0.0028%); highest among the groups gnomAD compares: African/African-American, 0.012%; no homozygotes.

Submission:

PreventionGenetics, part of Exact Sciences
Classification: Uncertain significance for PLXNA3-related condition. Last evaluated: 2024-03-15. Review status: no assertion criteria provided. Collection method: clinical testing. Allele origin: germline.
Comment: The PLXNA3 c.2278G>A variant is predicted to result in the amino acid substitution p.Glu760Lys. To our knowledge, this variant has not been reported in the literature. This variant is reported in 0.0076% of alleles in individuals of African descent in gnomAD. At this time, the clinical significance of this variant is uncertain due to the absence of conclusive functional and genetic evidence.